The following is an entry in ClinVar:

ClinVar aggregate classification (germline): Uncertain significance (1 of 4 stars; one submission).

Conditions:
Glucose-6-phosphate transport defect (GSD1B). Also called: Glycogen Storage Disease Type Ib; GSD Ib. Identifiers: Orphanet 364, Orphanet 79259, MedGen C0268146, MONDO:0009288, OMIM 232220.

Submission:

Labcorp Genetics (formerly Invitae), Labcorp
Classification: Uncertain significance for Glucose-6-phosphate transport defect. Last evaluated: 2024-10-22. Review status: criteria provided, single submitter. Criteria: Invitae Variant Classification Sherloc (09022015). Collection method: clinical testing. Allele origin: germline.
Comment: This sequence change replaces lysine, which is basic and polar, with alanine, which is neutral and non-polar, at codon 427 of the SLC37A4 protein (p.Lys427Ala). This variant is present in population databases (no rsID available, gnomAD 0.0004%). This variant has not been reported in the literature in individuals affected with SLC37A4-related conditions. ClinVar contains an entry for this variant (Variation ID: 2198205). Experimental studies and prediction algorithms are not available or were not evaluated, and the functional significance of this variant is currently unknown. In summary, the available evidence is currently insufficient to determine the role of this variant in disease. Therefore, it has been classified as a Variant of Uncertain Significance.

NM_001164277.2(SLC37A4):c.1279_1280delinsGC (p.Lys427Ala)

Gene: SLC37A4 (solute carrier family 37 member 4; minus strand). Cytogenetic location: 11q23.3.
Variant type: Indel.
Coding change: c.1279_1280delinsGC on transcript NM_001164277.2 (MANE Select); coding-DNA positions 1279 to 1280, AA replaced by GC.
Protein change: p.Lys427Ala; replaces lysine 427 with alanine.
Molecular consequence: missense variant.
Genome position (GRCh38, 1-based): chr11:119,024,920-119,024,921, TT replaced by GC on the plus strand (AA replaced by GC on the coding strand, the reverse complement: SLC37A4 is on the minus strand). VCF-style: chr11-119024920-TT-GC. GRCh37 (hg19) VCF-style: chr11-118895630-TT-GC.
Other names: c.1345_1346delinsGC, p.Lys449Ala (NM_001164278.2); c.1060_1061delinsGC, p.Lys354Ala (NM_001164279.2); c.1279_1280delinsGC, p.Lys427Ala (NM_001164280.2, NM_001467.6); short protein forms K449A, K354A, K427A.
Identifiers: ClinVar variation 2198205 (VCV002198205.3), dbSNP rs2497009311, ClinGen allele CA2580083613.
Genomic context (GRCh38, chr11:119,024,920, plus strand): 5'-GTGCAGGGGGAAGGCCACCGTGGGATGGTGCTCCGGAACCTGGACTCTCTTCACTCAGCC[TT>GC]CTTGGACACTCGGCCCATCTTGGTGCGGATGTTTCGTAGGAGGAAGAAGGCAGCCGTGCT-3'
Protein context (NP_001157749.1, residues 417-429): IRTKMGRVSK[Lys427Ala]AE